The following is an entry in ClinVar:

NM_001942.4(DSG1):c.2614A>G (p.Ile872Val)

Genes: DSG1 (desmoglein 1; plus strand), DSG1-AS1 (DSG1 antisense RNA 1; minus strand), LOC126862720 (MED14-independent group 3 enhancer GRCh37_chr18:28933613-28934812; plus strand). Cytogenetic location: 18q12.1.
Variant type: single nucleotide variant.
Coding change: c.2614A>G on transcript NM_001942.4 (MANE Select); coding-DNA position 2614, A replaced by G.
Protein change: p.Ile872Val; replaces isoleucine 872 with valine.
Molecular consequence: missense variant.
Genome position (GRCh38, 1-based): chr18:31,354,810, A>G. VCF-style: chr18-31354810-A-G. GRCh37 (hg19) VCF-style: chr18-28934773-A-G.
Other names: short protein forms I872V.
Identifiers: ClinVar variation 2881129 (VCV002881129.3), dbSNP rs1304072776, ClinGen allele CA402123649.

ClinVar aggregate classification (germline): Uncertain significance (1 of 4 stars; one submission).

Allele frequency attached by ClinVar (database versions not stated): gnomAD exomes below 0.00001.
gnomAD v4.1: 2 of 1,614,096 alleles (0.00012%); highest among the groups gnomAD compares: South Asian, 0.0011%; no homozygotes.

Submission:

Labcorp Genetics (formerly Invitae), Labcorp
Classification: Uncertain significance. Last evaluated: 2024-03-25. Review status: criteria provided, single submitter. Criteria: Invitae Variant Classification Sherloc (09022015). Collection method: clinical testing. Allele origin: germline.
Comment: This sequence change replaces isoleucine, which is neutral and non-polar, with valine, which is neutral and non-polar, at codon 872 of the DSG1 protein (p.Ile872Val). This variant is present in population databases (no rsID available, gnomAD 0.003%). This variant has not been reported in the literature in individuals affected with DSG1-related conditions. An algorithm developed to predict the effect of missense changes on protein structure and function (PolyPhen-2) suggests that this variant is likely to be tolerated. In summary, the available evidence is currently insufficient to determine the role of this variant in disease. Therefore, it has been classified as a Variant of Uncertain Significance.